The following is an entry in ClinVar:

NM_000368.5(TSC1):c.664-1del

Gene: TSC1 (TSC complex subunit 1; minus strand). Cytogenetic location: 9q34.13.
Variant type: Deletion.
Coding change: c.664-1del on transcript NM_000368.5 (MANE Select); the canonical splice acceptor site of the intron before coding-DNA position 664, one base deleted (G; older notation c.664-1delG).
Molecular consequence: splice acceptor variant. On other transcripts: intron variant (4).
Genome position (GRCh38, 1-based): chr9:132,921,437, C deleted on the plus strand (G on the coding strand, the reverse complement: TSC1 is on the minus strand). VCF-style (leftmost placement, unchanged base first): chr9-132921436-GC-G. GRCh37 (hg19) VCF-style: chr9-135796823-GC-G.
Other names: c.301-1del (NM_001406620.1, NM_001406618.1, NM_001406625.1 and 10 more transcripts); c.511-1del (NM_001406613.1, NM_001406612.1, NM_001406610.1 and 2 more transcripts); c.-215+382del (NM_001406627.1, NM_001406628.1, NM_001406626.1); c.-357+382del (NM_001406629.1); c.664-1del (NM_001406603.1, NM_001406609.1, NM_001406597.1 and 16 more transcripts); c.-430-1del (NM_001406630.1).
Identifiers: ClinVar variation 4293706 (VCV004293706.1).

ClinVar aggregate classification (germline): Likely pathogenic (1 of 4 stars; one submission).

Conditions:
Tuberous sclerosis 1 (TSC1). Identifiers: Orphanet 805, MedGen C1854465, MONDO:0008612, OMIM 191100.

Submission:

3billion
Classification: Likely pathogenic for Tuberous sclerosis 1. Last evaluated: 2024-07-05. Review status: criteria provided, single submitter. Criteria: ACMG Guidelines, 2015. Collection method: clinical testing. Allele origin: germline. Affected: yes.
Comment: The variant is not observed in the gnomAD v4.0.0 dataset. Predicted Consequence/Location: Canonical splice site: predicted to alter splicing and result in a loss or disruption of normal protein function. Multiple pathogenic loss-of-function variants are reported downstream of the variant. In silico tools predict the variant to alter splicing and produce an abnormal transcript [SpliceAI: 0.90 (spliceogenicity >=0.2, non-spliceogenicity <0.1)]. Therefore, this variant is classified as Likely pathogenic according to the recommendation of ACMG/AMP guideline.